The following is an entry in ClinVar:

ClinVar aggregate classification (germline): Uncertain significance. Review status: criteria provided, multiple submitters, no conflicts (2 of 4 stars). 2 submissions from 2 submitters: Uncertain significance (2). Last evaluated 2024-09-09.

Conditions:
Nephronophthisis 15 (NPHP15). Identifiers: Orphanet 3156, MedGen C3541853, MONDO:0013917, OMIM 614845.
Inborn genetic diseases. Identifiers: MedGen C0950123, MeSH D030342.

Allele frequency attached by ClinVar (database versions not stated): gnomAD exomes below 0.00001; ExAC 0.00001; gnomAD 0.00001.
gnomAD v4.1: 2 of 1,614,046 alleles (0.00012%); highest among the groups gnomAD compares: African/African-American, 0.0013%; no homozygotes.

Submissions (2):

Ambry Genetics
Classification: Uncertain significance for Inborn genetic diseases. Last evaluated: 2024-09-09. Review status: criteria provided, single submitter. Criteria: Ambry Variant Classification Scheme 2023. Collection method: clinical testing. Allele origin: germline.

Labcorp Genetics (formerly Invitae), Labcorp
Classification: Uncertain significance for Nephronophthisis 15. Last evaluated: 2022-07-25. Review status: criteria provided, single submitter. Criteria: Invitae Variant Classification Sherloc (09022015). Collection method: clinical testing. Allele origin: germline.
Comment: This sequence change replaces glutamine, which is neutral and polar, with leucine, which is neutral and non-polar, at codon 707 of the CEP164 protein (p.Gln707Leu). This variant is not present in population databases (gnomAD no frequency). This variant has not been reported in the literature in individuals affected with CEP164-related conditions. ClinVar contains an entry for this variant (Variation ID: 1039969). Algorithms developed to predict the effect of missense changes on protein structure and function are either unavailable or do not agree on the potential impact of this missense change (SIFT: "Deleterious"; PolyPhen-2: "Probably Damaging"; Align-GVGD: "Class C0"). In summary, the available evidence is currently insufficient to determine the role of this variant in disease. Therefore, it has been classified as a Variant of Uncertain Significance.

NM_014956.5(CEP164):c.2120A>T (p.Gln707Leu)

Gene: CEP164 (centrosomal protein 164; plus strand). Cytogenetic location: 11q23.3.
Variant type: single nucleotide variant.
Coding change: c.2120A>T on transcript NM_014956.5 (MANE Select); coding-DNA position 2120, A replaced by T.
Protein change: p.Gln707Leu; replaces glutamine 707 with leucine.
Molecular consequence: missense variant.
Genome position (GRCh38, 1-based): chr11:117,391,052, A>T. VCF-style: chr11-117391052-A-T. GRCh37 (hg19) VCF-style: chr11-117261768-A-T.
Other names: c.2129A>T, p.Gln710Leu (NM_001271933.2); c.2120A>T (NM_014956.4); short protein forms Q707L, Q710L.
Identifiers: ClinVar variation 1039969 (VCV001039969.8), dbSNP rs780538516, ClinGen allele CA6294969.